The following is an entry in ClinVar:

NM_004415.4(DSP):c.8269G>C (p.Asp2757His)

Gene: DSP (desmoplakin; plus strand). Cytogenetic location: 6p24.3.
Variant type: single nucleotide variant.
Coding change: c.8269G>C on transcript NM_004415.4 (MANE Select); coding-DNA position 8269, G replaced by C.
Protein change: p.Asp2757His; replaces aspartic acid 2757 with histidine.
Molecular consequence: missense variant.
Genome position (GRCh38, 1-based): chr6:7,585,531, G>C. VCF-style: chr6-7585531-G-C. GRCh37 (hg19) VCF-style: chr6-7585764-G-C.
Other names: c.6472G>C, p.Asp2158His (NM_001008844.3); c.6940G>C, p.Asp2314His (NM_001319034.2); short protein forms D2158H, D2314H, D2757H.
Identifiers: ClinVar variation 3338802 (VCV003338802.2).

ClinVar aggregate classification (germline): Uncertain significance. Review status: criteria provided, multiple submitters, no conflicts (2 of 4 stars). 2 submissions from 2 submitters: Uncertain significance (2). Last evaluated 2024-06-17.

Conditions:
Arrhythmogenic cardiomyopathy with wooly hair and keratoderma. Also called: Carvajal syndrome; Dilated cardiomyopathy with woolly hair and keratoderma; Arrhythmogenic cardiomyopathy with woolly hair and keratoderma; PALMOPLANTAR KERATODERMA WITH LEFT VENTRICULAR CARDIOMYOPATHY AND WOOLLY HAIR. Identifiers: Orphanet 65282, MedGen C1854063, MONDO:0011581, OMIM 605676.

Submissions (2):

All of Us Research Program, National Institutes of Health
Classification: Uncertain significance for Arrhythmogenic cardiomyopathy with wooly hair and keratoderma. Last evaluated: 2024-06-17. Review status: criteria provided, single submitter. Criteria: ACMG Guidelines, 2015. Collection method: clinical testing. Allele origin: germline. Inheritance: Autosomal dominant inheritance. Observed: 1 variant allele, 1 heterozygote.
Comment: This missense variant replaces aspartic acid with histidine at codon 2757 of the DSP protein. Computational prediction suggests that this variant may have deleterious impact on protein structure and function (internally defined REVEL score threshold >= 0.7, PMID: 27666373). To our knowledge, functional studies have not been reported for this variant. This variant has been reported in at least one individual affected with arrhythmogenic right ventricular cardiomyopathy (PMID: 23514727, 29178656) and in another individual affected with sudden unexplained death (PMID: 27005929). This variant has not been identified in the general population by the Genome Aggregation Database (gnomAD). The available evidence is insufficient to determine the role of this variant in disease conclusively. Therefore, this variant is classified as a Variant of Uncertain Significance.

This study involves interpretation of variants in research participants for the purpose of population health screening. Participant phenotype was not available at the time of variant classification. Additional details can be found in publication PMID: 35346344, PMCID: PMC8962531

GeneDx
Classification: Uncertain significance. Last evaluated: 2024-02-02. Review status: criteria provided, single submitter. Criteria: GeneDx Variant Classification Process June 2021. Collection method: clinical testing. Allele origin: germline. Affected: yes.
Comment: Not observed at significant frequency in large population cohorts (gnomAD); In silico analysis supports that this missense variant has a deleterious effect on protein structure/function; This variant is associated with the following publications: (PMID: 31402444, 23514727)

Literature cited by the submitters: PubMed 23514727 (cited by All of Us Research Program, National Institutes of Health); PubMed 27005929 (cited by All of Us Research Program, National Institutes of Health); PubMed 29178656 (cited by All of Us Research Program, National Institutes of Health).